The following is an entry in ClinVar:

ClinVar aggregate classification (germline): Uncertain significance (1 of 4 stars; one submission).

Conditions:
Monosomy 7 myelodysplasia and leukemia syndrome 2. Identifiers: MedGen C5436668, MONDO:0030801, OMIM 619041.

Submission:

Victorian Clinical Genetics Services, Murdoch Childrens Research Institute
Classification: Uncertain significance for Monosomy 7 myelodysplasia and leukemia syndrome 2. Last evaluated: 2024-09-23. Review status: criteria provided, single submitter. Criteria: ACMG Guidelines, 2015. Collection method: clinical testing. Allele origin: germline. Inheritance: Autosomal dominant inheritance. Affected: yes.
Comment: Based on the classification scheme VCGS_Germline_v1.3.4, this variant is classified as VUS-3A. Following criteria are met: 0101 - Gain of function is a known mechanism of disease in this gene and is associated with MIRAGE syndrome (MIM#617053) (PMID: 33237688). Monosomy 7 myelodysplasia and leukemia syndrome 2 (MIM#619041) is the result of a somatic compensatory mechanism, reversing the germline gain of function (PMID: 34621053). (I) 0107 - This gene is associated with autosomal dominant disease. (I) 0112 - The condition associated with this gene has incomplete penetrance (PMID: 34621053). (I) 0115 - Variants in this gene are known to have variable expressivity (PMID: 34621053). (I) 0200 - Variant is predicted to result in a missense amino acid change from serine to arginine. (I) 0251 - This variant is heterozygous. (I) 0301 - Variant is absent from gnomAD (both v2 and v3). (SP) 0309 - An alternative amino acid change at the same position has been observed in gnomAD (v2: 1 heterozygote, 0 homozygotes). (I) 0502 - Missense variant with conflicting in silico predictions and uninformative conservation. (I) 0604 - Variant is not located in an established domain, motif, hotspot or informative constraint region. (I) 0705 - No comparable missense variants have previous evidence for pathogenicity. (I) 0807 - This variant has no previous evidence of pathogenicity. (I) 0905 - No published segregation evidence has been identified for this variant. (I) 1007 - No published functional evidence has been identified for this variant. (I) 1102 - Strong phenotype match for this individual. (SP) 1208 - Inheritance information for this variant is not currently available in this individual. (I) Legend: (SP) - Supporting pathogenic, (I) - Information, (SB) - Supporting benign

Literature cited by the submitters: PubMed 33237688; PubMed 34621053.

NM_017654.4(SAMD9):c.1504A>C (p.Ser502Arg)

Gene: SAMD9 (sterile alpha motif domain containing 9; minus strand). Cytogenetic location: 7q21.2.
Variant type: single nucleotide variant.
Coding change: c.1504A>C on transcript NM_017654.4 (MANE Select); coding-DNA position 1504, A replaced by C.
Protein change: p.Ser502Arg; replaces serine 502 with arginine.
Molecular consequence: missense variant.
Genome position (GRCh38, 1-based): chr7:93,104,594, T>G on the plus strand (A>C on the coding strand, the complement: SAMD9 is on the minus strand). VCF-style: chr7-93104594-T-G. GRCh37 (hg19) VCF-style: chr7-92733907-T-G.
Other names: c.1504A>C, p.Ser502Arg (NM_001193307.2); short protein forms S502R.
Identifiers: ClinVar variation 1699235 (VCV001699235.4), dbSNP rs1328395107, ClinGen allele CA368196183.
Genomic context (GRCh38, chr7:93,104,594, plus strand): 5'-TGACATCAGAAGCTCTTTCTCTTTGCCAGGAACTTGGATCAAAGGGTTTATATTTTTCAC[T>G]GTCAAGGTCTAACCTGCCATTGCAGAAAATCCAGCTGGGTTGATGGTAAAGATTTAGAGT-3'
Protein context (NP_060124.2, residues 492-512): IFCNGRLDLD[Ser502Arg]EKYKPFDPSS